The following is an entry in ClinVar:

NM_001009944.3(PKD1):c.7948_7949del (p.Leu2650fs)

Gene: PKD1 (polycystin 1, transient receptor potential channel interacting; minus strand). Cytogenetic location: 16p13.3.
Variant type: Microsatellite.
Coding change: c.7948_7949del on transcript NM_001009944.3 (MANE Select); coding-DNA positions 7948 to 7949, 2 bases deleted (CT; older notation c.7948_7949delCT).
Protein change: p.Leu2650fs; shifts the reading frame from leucine 2650.
Molecular consequence: frameshift variant.
Genome position (GRCh38, 1-based): chr16:2,105,389-2,105,390, AG deleted on the plus strand (CT on the coding strand, the reverse complement: PKD1 is on the minus strand); deleting any 2 consecutive bases within chr16:2,105,389-2,105,392 gives the same sequence; the c. name uses the placement nearest the transcript's 3' end. VCF-style (leftmost placement, unchanged base first): chr16-2105388-CAG-C. GRCh37 (hg19) VCF-style: chr16-2155389-CAG-C.
Other names: c.7948_7949del, p.Leu2650fs (NM_000296.4); c.7946_7947CT[1], p.Leu2650Glyfs (NM_001009944.2); c.7948_7949del (NM_001009944.2); short protein forms L2650fs.
Identifiers: ClinVar variation 2505995 (VCV002505995.2), dbSNP rs2544769485, ClinGen allele CA2580610866.

ClinVar aggregate classification (germline): Pathogenic. Review status: criteria provided, multiple submitters, no conflicts (2 of 4 stars). 2 submissions from 2 submitters: Pathogenic (2). Last evaluated 2026-01-26.

Conditions:
Polycystic kidney disease, adult type (PKD1). Also called: Polycystic Kidney Disease 1, Autosomal Dominant; Polycystic kidney disease 1; Polycystic kidney disease 1, severe; Polycystic Kidney, Autosomal Dominant; POLYCYSTIC KIDNEY DISEASE, ADULT, TYPE I; POLYCYSTIC KIDNEY DISEASE 1 WITH OR WITHOUT POLYCYSTIC LIVER DISEASE. Identifiers: MedGen C3149841, MONDO:0008263, OMIM 173900.

Submissions (2):

Medical and Scientific Branch, Hong Kong Genome Institute
Classification: Pathogenic for Polycystic kidney disease, adult type. Last evaluated: 2026-01-26. Review status: criteria provided, single submitter. Criteria: ACMG Guidelines, 2015. Collection method: clinical testing. Allele origin: unknown. Affected: yes.

GeneDx
Classification: Pathogenic. Last evaluated: 2023-06-15. Review status: criteria provided, single submitter. Criteria: GeneDx Variant Classification Process June 2021. Collection method: clinical testing. Allele origin: germline. Affected: yes.
Comment: Reported using alternate nomenclature (Del 2 bp (C8159-T8160)) in an individual with autosomal dominant polycystic kidney disease and an intracranial aneurysm (Phakdeekitcharoen et al., 2000); Identified in a cohort of individuals with autosomal dominant polycystic kidney disease (Rossetti et al., 2012); Frameshift variant predicted to result in protein truncation or nonsense mediated decay in a gene for which loss-of-function is a known mechanism of disease; Not observed at significant frequency in large population cohorts (gnomAD); This variant is associated with the following publications: (PMID: 22383692, 11012875, 35629189)